The following is an entry in ClinVar:

ClinVar aggregate classification (germline): Benign. Review status: criteria provided, multiple submitters, no conflicts (2 of 4 stars). 2 submissions from 2 submitters: Benign (2). Last evaluated 2018-06-18.

Allele frequency attached by ClinVar (database versions not stated): gnomAD 0.25985 and 0.26692; TOPMed 0.27585; gnomAD exomes 0.28590; 1000 Genomes Project 30x 0.33590; 1000 Genomes Project 0.34411.
gnomAD v4.1: 130,440 of 464,834 alleles (28%); highest among the groups gnomAD compares: East Asian, 53%; 13,344 homozygotes.

Submissions (2):

GeneDx
Classification: Benign. Last evaluated: 2018-06-18. Review status: criteria provided, single submitter. Criteria: GeneDx Variant Classification (06012015). Collection method: clinical testing. Allele origin: germline. Affected: yes.
Comment: This variant is considered likely benign or benign based on one or more of the following criteria: it is a conservative change, it occurs at a poorly conserved position in the protein, it is predicted to be benign by multiple in silico algorithms, and/or has population frequency not consistent with disease.

Breakthrough Genomics
Classification: Benign. Review status: criteria provided, single submitter. Criteria: ACMG Guidelines, 2015. Collection method: not provided. Allele origin: germline. Inheritance: X-linked inheritance. Affected: yes.

NM_004006.3(DMD):c.9163+189G>T

Gene: DMD (dystrophin; minus strand). Cytogenetic location: Xp21.2.
Variant type: single nucleotide variant.
Coding change: c.9163+189G>T on transcript NM_004006.3 (MANE Select); 189 bases into the intron after coding-DNA position 9163, G replaced by T.
Molecular consequence: intron variant.
Genome position (GRCh38, 1-based): chrX:31,348,367, C>A on the plus strand (G>T on the coding strand, the complement: DMD is on the minus strand). VCF-style: chrX-31348367-C-A. GRCh37 (hg19) VCF-style: chrX-31366484-C-A.
Other names: c.9139+189G>T (NM_000109.4); c.5140+189G>T (NM_004011.4); c.5131+189G>T (NM_004012.4); c.1783+189G>T (NM_004023.3, NM_004020.4, NM_004022.3 and 2 more transcripts); c.976+189G>T (NM_004014.3); c.9151+189G>T (NM_004009.3); c.8794+189G>T (NM_004010.3).
Identifiers: ClinVar variation 672528 (VCV000672528.2), dbSNP rs6628596, ClinGen allele CA328421565.